The following is an entry in ClinVar:

ClinVar aggregate classification (germline): Uncertain significance (1 of 4 stars; one submission).

Allele frequency attached by ClinVar (database versions not stated): gnomAD 0.00001; gnomAD exomes 0.00001 and 0.00002; TOPMed 0.00002; ExAC 0.00003; 1000 Genomes Project 30x 0.00016; 1000 Genomes Project 0.00020.
gnomAD v4.1: 21 of 1,614,094 alleles (0.0013%); highest among the groups gnomAD compares: Admixed American, 0.0017%; no homozygotes.

Submission:

Labcorp Genetics (formerly Invitae), Labcorp
Classification: Uncertain significance. Last evaluated: 2022-09-07. Review status: criteria provided, single submitter. Criteria: Invitae Variant Classification Sherloc (09022015). Collection method: clinical testing. Allele origin: germline.
Comment: This sequence change falls in intron 20 of the TRPM1 gene. It does not directly change the encoded amino acid sequence of the TRPM1 protein. It affects a nucleotide within the consensus splice site. This variant is present in population databases (rs190823090, gnomAD 0.004%). This variant has not been reported in the literature in individuals affected with TRPM1-related conditions. ClinVar contains an entry for this variant (Variation ID: 1472550). Variants that disrupt the consensus splice site are a relatively common cause of aberrant splicing (PMID: 17576681, 9536098). Algorithms developed to predict the effect of sequence changes on RNA splicing suggest that this variant is not likely to affect RNA splicing. In summary, the available evidence is currently insufficient to determine the role of this variant in disease. Therefore, it has been classified as a Variant of Uncertain Significance.

Literature cited by the submitters: PubMed 17576681; PubMed 9536098.

NM_001252024.2(TRPM1):c.2701-3C>T

Genes: TRPM1 (transient receptor potential cation channel subfamily M member 1; minus strand), TRPM1-AS1 (TRPM1 antisense RNA 1; plus strand). Cytogenetic location: 15q13.3.
Variant type: single nucleotide variant.
Coding change: c.2701-3C>T on transcript NM_001252024.2 (MANE Select); 3 bases into the intron before coding-DNA position 2701, C replaced by T.
Molecular consequence: intron variant.
Genome position (GRCh38, 1-based): chr15:31,032,943, G>A on the plus strand (C>T on the coding strand, the complement: TRPM1 is on the minus strand). VCF-style: chr15-31032943-G-A. GRCh37 (hg19) VCF-style: chr15-31325146-G-A.
Other names: c.2752-3C>T (NM_001252020.2); c.2635-3C>T (NM_002420.6).
Identifiers: ClinVar variation 1472550 (VCV001472550.3), dbSNP rs190823090, ClinGen allele CA7452080.